The following is an entry in ClinVar:

ClinVar aggregate classification (germline): Uncertain significance (1 of 4 stars; one submission).

Conditions:
Achondrogenesis, type IA (ACG1A). Identifiers: Orphanet 932, Orphanet 93299, MedGen C0265273, MONDO:0008701, OMIM 200600.

Submission:

Labcorp Genetics (formerly Invitae), Labcorp
Classification: Uncertain significance for Achondrogenesis, type IA. Last evaluated: 2023-12-11. Review status: criteria provided, single submitter. Criteria: Invitae Variant Classification Sherloc (09022015). Collection method: clinical testing. Allele origin: germline.
Comment: This sequence change replaces serine, which is neutral and polar, with leucine, which is neutral and non-polar, at codon 178 of the TRIP11 protein (p.Ser178Leu). This variant is not present in population databases (gnomAD no frequency). This variant has not been reported in the literature in individuals affected with TRIP11-related conditions. ClinVar contains an entry for this variant (Variation ID: 1933210). Advanced modeling of protein sequence and biophysical properties (such as structural, functional, and spatial information, amino acid conservation, physicochemical variation, residue mobility, and thermodynamic stability) performed at Invitae indicates that this missense variant is not expected to disrupt TRIP11 protein function with a negative predictive value of 80%. In summary, the available evidence is currently insufficient to determine the role of this variant in disease. Therefore, it has been classified as a Variant of Uncertain Significance.

NM_004239.4(TRIP11):c.533C>T (p.Ser178Leu)

Gene: TRIP11 (thyroid hormone receptor interactor 11; minus strand). Cytogenetic location: 14q32.12.
Variant type: single nucleotide variant.
Coding change: c.533C>T on transcript NM_004239.4 (MANE Select); coding-DNA position 533, C replaced by T.
Protein change: p.Ser178Leu; replaces serine 178 with leucine.
Molecular consequence: missense variant.
Genome position (GRCh38, 1-based): chr14:92,021,611, G>A on the plus strand (C>T on the coding strand, the complement: TRIP11 is on the minus strand). VCF-style: chr14-92021611-G-A. GRCh37 (hg19) VCF-style: chr14-92487955-G-A.
Other names: c.530C>T, p.Ser177Leu (NM_001321851.1); short protein forms S177L, S178L.
Identifiers: ClinVar variation 1933210 (VCV001933210.5), dbSNP rs2543078493, ClinGen allele CA390665282.